The following is an entry in ClinVar:

ClinVar aggregate classification (germline): Uncertain significance. Review status: criteria provided, multiple submitters, no conflicts (2 of 4 stars). 2 submissions from 2 submitters: Uncertain significance (2). Last evaluated 2023-07-31.

Conditions:
Cardiovascular phenotype. Identifiers: MedGen CN230736.

Allele frequency attached by ClinVar (database versions not stated): gnomAD 0.00002; TOPMed 0.00002.
gnomAD v4.1: 6 of 1,550,280 alleles (0.00039%); highest among the groups gnomAD compares: African/African-American, 0.0068%; no homozygotes.

Submissions (2):

GeneDx
Classification: Uncertain significance. Last evaluated: 2023-07-31. Review status: criteria provided, single submitter. Criteria: GeneDx Variant Classification Process June 2021. Collection method: clinical testing. Allele origin: germline. Affected: yes.
Comment: Not observed at significant frequency in large population cohorts (gnomAD); In silico analysis supports that this missense variant does not alter protein structure/function; Has not been previously published as pathogenic or benign to our knowledge

Ambry Genetics
Classification: Uncertain significance for Cardiovascular phenotype. Last evaluated: 2022-05-02. Review status: criteria provided, single submitter. Criteria: Ambry Variant Classification Scheme 2023. Collection method: clinical testing. Allele origin: germline.
Comment: The p.G2374R variant (also known as c.7120G>C), located in coding exon 2 of the ZNF469 gene, results from a G to C substitution at nucleotide position 7120. The glycine at codon 2374 is replaced by arginine, an amino acid with dissimilar properties. This amino acid position is conserved. In addition, this alteration is predicted to be tolerated by in silico analysis. Since supporting evidence is limited at this time, the clinical significance of this alteration remains unclear.

NM_001367624.2(ZNF469):c.7204G>C (p.Gly2402Arg)

Gene: ZNF469 (zinc finger protein 469; plus strand). Cytogenetic location: 16q24.2.
Variant type: single nucleotide variant.
Coding change: c.7204G>C on transcript NM_001367624.2 (MANE Select); coding-DNA position 7204, G replaced by C.
Protein change: p.Gly2402Arg; replaces glycine 2402 with arginine.
Molecular consequence: missense variant.
Genome position (GRCh38, 1-based): chr16:88,434,674, G>C. VCF-style: chr16-88434674-G-C. GRCh37 (hg19) VCF-style: chr16-88501082-G-C.
Other names: NM_001127464.1:c.7120G>C; short protein forms G2402R.
Identifiers: ClinVar variation 1757277 (VCV001757277.3), dbSNP rs902050817, ClinGen allele CA286382471.